The following is an entry in ClinVar:

NM_000416.3(IFNGR1):c.380T>C (p.Ile127Thr)

Gene: IFNGR1 (interferon gamma receptor 1; minus strand). Cytogenetic location: 6q23.3.
Variant type: single nucleotide variant.
Coding change: c.380T>C on transcript NM_000416.3 (MANE Select); coding-DNA position 380, T replaced by C.
Protein change: p.Ile127Thr; replaces isoleucine 127 with threonine.
Molecular consequence: missense variant.
Genome position (GRCh38, 1-based): chr6:137,204,498, A>G on the plus strand (T>C on the coding strand, the complement: IFNGR1 is on the minus strand). VCF-style: chr6-137204498-A-G. GRCh37 (hg19) VCF-style: chr6-137525635-A-G.
Other names: c.350T>C, p.Ile117Thr (NM_001363526.1); c.257T>C, p.Ile86Thr (NM_001363527.1); short protein forms I117T, I127T, I86T.
Identifiers: ClinVar variation 639444 (VCV000639444.10), dbSNP rs149216962, ClinGen allele CA4018983.

ClinVar aggregate classification (germline): Uncertain significance (1 of 4 stars; one submission).

Conditions:
Disseminated atypical mycobacterial infection. Identifiers: MedGen C0694566.

Allele frequency attached by ClinVar (database versions not stated): ExAC 0.00004; TOPMed 0.00006; gnomAD exomes 0.00007 and 0.00008; gnomAD 0.00009; ESP Exome Variant Server 0.00015.
gnomAD v4.1: 127 of 1,612,818 alleles (0.0079%); highest among the groups gnomAD compares: Non-Finnish European, 0.0099%; no homozygotes.

Submission:

Labcorp Genetics (formerly Invitae), Labcorp
Classification: Uncertain significance for Disseminated atypical mycobacterial infection. Last evaluated: 2024-05-20. Review status: criteria provided, single submitter. Criteria: Invitae Variant Classification Sherloc (09022015). Collection method: clinical testing. Allele origin: germline.
Comment: This sequence change replaces isoleucine, which is neutral and non-polar, with threonine, which is neutral and polar, at codon 127 of the IFNGR1 protein (p.Ile127Thr). This variant is present in population databases (rs149216962, gnomAD 0.01%). This variant has not been reported in the literature in individuals affected with IFNGR1-related conditions. ClinVar contains an entry for this variant (Variation ID: 639444). Advanced modeling of protein sequence and biophysical properties (such as structural, functional, and spatial information, amino acid conservation, physicochemical variation, residue mobility, and thermodynamic stability) performed at Invitae indicates that this missense variant is not expected to disrupt IFNGR1 protein function with a negative predictive value of 80%. In summary, the available evidence is currently insufficient to determine the role of this variant in disease. Therefore, it has been classified as a Variant of Uncertain Significance.